The following is an entry in ClinVar:

ClinVar aggregate classification (germline): Pathogenic. Review status: criteria provided, multiple submitters, no conflicts (2 of 4 stars). 2 submissions from 2 submitters: Pathogenic (2). Last evaluated 2024-11-21.

Conditions:
Hereditary cancer-predisposing syndrome. Also called: Hereditary Cancer Syndrome; Hereditary neoplastic syndrome; Neoplastic Syndromes, Hereditary; Tumor predisposition. Identifiers: Orphanet 140162, MedGen C0027672, MeSH D009386, MONDO:0015356.
Cardiovascular phenotype. Identifiers: MedGen CN230736.

Submissions (2):

Ambry Genetics
Classification: Pathogenic for Cardiovascular phenotype; Hereditary cancer-predisposing syndrome. Last evaluated: 2024-11-21. Review status: criteria provided, single submitter. Criteria: Ambry Variant Classification Scheme 2023. Collection method: clinical testing. Allele origin: germline.
Comment: The c.1681delC pathogenic mutation, located in coding exon 15 of the LZTR1 gene, results from a deletion of one nucleotide at nucleotide position 1681, causing a translational frameshift with a predicted alternate stop codon (p.R561Afs*31). This variant is considered to be rare based on population cohorts in the Genome Aggregation Database (gnomAD). This alteration is expected to result in loss of function by premature protein truncation or nonsense-mediated mRNA decay. Loss-of-function variants in LZTR1 are related to an increased risk for schwannomas and autosomal recessive Noonan syndrome; however, such associations with autosomal dominant Noonan syndrome have not been observed (Piotrowski A et al. Nat Genet. 2014 Feb;46:182-7; Yamamoto GL et al. J Med Genet. 2015 Jun;52:413-21; Johnston JJ et al. Genet Med. 2018 10;20:1175-1185). Based on the supporting evidence, this variant is pathogenic for an increased risk of LZTR1-related schwannomatosis (SWN) and would be expected to cause autosomal recessive Noonan syndrome when present along with a second pathogenic or likely pathogenic variant on the other allele; however, the association of this alteration with autosomal dominant Noonan syndrome is unlikely.

Labcorp Genetics (formerly Invitae), Labcorp
Classification: Pathogenic. Last evaluated: 2023-12-03. Review status: criteria provided, single submitter. Criteria: Invitae Variant Classification Sherloc (09022015). Collection method: clinical testing. Allele origin: germline.
Comment: This sequence change creates a premature translational stop signal (p.Arg561Alafs*31) in the LZTR1 gene. It is expected to result in an absent or disrupted protein product. Loss-of-function variants in LZTR1 are known to be pathogenic (PMID: 24362817, 25335493, 25480913, 25795793, 29469822, 30368668, 30442762, 30442766, 30481304, 30859559). This variant is not present in population databases (gnomAD no frequency). This variant has not been reported in the literature in individuals affected with LZTR1-related conditions. ClinVar contains an entry for this variant (Variation ID: 1451513). Algorithms developed to predict the effect of sequence changes on RNA splicing suggest that this variant may disrupt the consensus splice site. For these reasons, this variant has been classified as Pathogenic.

Literature cited by the submitters: PubMed 24362817 (cited by Labcorp Genetics (formerly Invitae), Labcorp); PubMed 25335493 (cited by Labcorp Genetics (formerly Invitae), Labcorp); PubMed 25480913 (cited by Labcorp Genetics (formerly Invitae), Labcorp); PubMed 25795793 (cited by Labcorp Genetics (formerly Invitae), Labcorp); PubMed 29469822 (cited by Labcorp Genetics (formerly Invitae), Labcorp); PubMed 30368668 (cited by Labcorp Genetics (formerly Invitae), Labcorp); PubMed 30442762 (cited by Labcorp Genetics (formerly Invitae), Labcorp); PubMed 30442766 (cited by Labcorp Genetics (formerly Invitae), Labcorp); PubMed 30481304 (cited by Labcorp Genetics (formerly Invitae), Labcorp); PubMed 30859559 (cited by Labcorp Genetics (formerly Invitae), Labcorp).

NM_006767.4(LZTR1):c.1681del (p.Arg561fs)

Gene: LZTR1 (leucine zipper like post translational regulator 1; plus strand). Cytogenetic location: 22q11.21.
Variant type: Deletion.
Coding change: c.1681del on transcript NM_006767.4 (MANE Select); coding-DNA position 1681, one base deleted (C; older notation c.1681delC).
Protein change: p.Arg561fs; shifts the reading frame from arginine 561.
Molecular consequence: frameshift variant.
Genome position (GRCh38, 1-based): chr22:20,994,623, C deleted; the last of 2 consecutive C bases (chr22:20,994,622-20,994,623); deleting either gives the same sequence. VCF-style (leftmost placement, unchanged base first): chr22-20994621-GC-G. GRCh37 (hg19) VCF-style: chr22-21348910-GC-G.
Other names: c.1681delC (NM_006767.3); short protein forms R561fs.
Identifiers: ClinVar variation 1451513 (VCV001451513.7), dbSNP rs2147967929, ClinGen allele CA2573157828.